The following is an entry in ClinVar:

NM_031844.3(HNRNPU):c.233C>T (p.Ala78Val)

Gene: HNRNPU (heterogeneous nuclear ribonucleoprotein U; minus strand). Cytogenetic location: 1q44.
Variant type: single nucleotide variant.
Coding change: c.233C>T on transcript NM_031844.3 (MANE Select); coding-DNA position 233, C replaced by T.
Protein change: p.Ala78Val; replaces alanine 78 with valine.
Molecular consequence: missense variant.
Genome position (GRCh38, 1-based): chr1:244,864,075, G>A on the plus strand (C>T on the coding strand, the complement: HNRNPU is on the minus strand). VCF-style: chr1-244864075-G-A. GRCh37 (hg19) VCF-style: chr1-245027377-G-A.
Other names: c.233C>T, p.Ala78Val (NM_004501.3); c.233C>T (NM_031844.2); short protein forms A78V.
Identifiers: ClinVar variation 2983746 (VCV002983746.4), dbSNP rs1489983826, ClinGen allele CA345497583.
Genomic context (GRCh38, chr1:244,864,075, plus strand): 5'-GCGGAGATTCCTTCCTCCTCCTCTTCCTCTTCCTCCTCCTCTTCATCGCCGCCGGCCGCG[G>A]CCTCCTGCTCGAGGCCTGCTCCCGAGCGCCCAGCGGAATCCCCGCCCAGGTCTAGGCTGC-3'
Protein context (NP_114032.2, residues 68-88): GRSGAGLEQE[Ala78Val]AAGGDEEEEE

ClinVar aggregate classification (germline): Conflicting classifications of pathogenicity. Review status: criteria provided, conflicting classifications (1 of 4 stars). 2 submissions from 2 submitters: Uncertain significance (1); Likely benign (1). Last evaluated 2025-01-19.

Conditions:
Inborn genetic diseases. Identifiers: MedGen C0950123, MeSH D030342.
Developmental and epileptic encephalopathy, 54. Also called: Epileptic encephalopathy, early infantile, 54; HNRNPU-Related Neurodevelopmental Disorder. Identifiers: MedGen C4479319, MONDO:0033363, OMIM 617391.

Allele frequency attached by ClinVar (database versions not stated): gnomAD exomes below 0.00001; TOPMed below 0.00001.
gnomAD v4.1: 3 of 1,600,952 alleles (0.00019%); highest among the groups gnomAD compares: African/African-American, 0.0027%; no homozygotes.

Submissions (2):

Ambry Genetics
Classification: Likely benign for Inborn genetic diseases. Last evaluated: 2025-01-19. Review status: criteria provided, single submitter. Criteria: Ambry Variant Classification Scheme 2023. Collection method: clinical testing. Allele origin: germline.

Labcorp Genetics (formerly Invitae), Labcorp
Classification: Uncertain significance for Developmental and epileptic encephalopathy, 54. Last evaluated: 2023-01-10. Review status: criteria provided, single submitter. Criteria: Invitae Variant Classification Sherloc (09022015). Collection method: clinical testing. Allele origin: germline.
Comment: In summary, the available evidence is currently insufficient to determine the role of this variant in disease. Therefore, it has been classified as a Variant of Uncertain Significance. Algorithms developed to predict the effect of missense changes on protein structure and function are either unavailable or do not agree on the potential impact of this missense change (SIFT: "Tolerated"; PolyPhen-2: "Possibly Damaging"; Align-GVGD: "Class C0"). This variant has not been reported in the literature in individuals affected with HNRNPU-related conditions. The frequency data for this variant in the population databases is considered unreliable, as metrics indicate poor data quality at this position in the gnomAD database. This sequence change replaces alanine, which is neutral and non-polar, with valine, which is neutral and non-polar, at codon 78 of the HNRNPU protein (p.Ala78Val).